The following is an entry in ClinVar:

NM_003000.3(SDHB):c.260T>A (p.Leu87Ter)

Gene: SDHB (succinate dehydrogenase complex iron sulfur subunit B; minus strand). Cytogenetic location: 1p36.13.
Variant type: single nucleotide variant.
Coding change: c.260T>A on transcript NM_003000.3 (MANE Select); coding-DNA position 260, T replaced by A.
Protein change: p.Leu87Ter; replaces leucine 87 with a stop codon.
Molecular consequence: nonsense.
Genome position (GRCh38, 1-based): chr1:17,033,086, A>T on the plus strand (T>A on the coding strand, the complement: SDHB is on the minus strand). VCF-style: chr1-17033086-A-T. GRCh37 (hg19) VCF-style: chr1-17359581-A-T.
Other names: c.260T>A, p.Leu87Ter (NM_001407361.1); short protein forms L87*.
Identifiers: ClinVar variation 4785605 (VCV004785605.1).

ClinVar aggregate classification (germline): Pathogenic (1 of 4 stars; one submission).

Conditions:
Pheochromocytoma. Also called: MAX-Related Hereditary Paraganglioma-Pheochromocytoma Syndrome. Identifiers: Orphanet 29072, MedGen C0031511, MONDO:0008233, OMIM 171300, HP:0002666.
Gastrointestinal stromal tumor. Also called: Gastrointestinal stroma tumor; Gastrointestinal stromal tumor, somatic. Identifiers: Orphanet 44890, MedGen C0238198, MeSH D046152, MONDO:0011719, OMIM 606764, HP:0100723.
Pheochromocytoma/paraganglioma syndrome 4. Also called: CAROTID BODY TUMORS AND MULTIPLE EXTRAADRENAL PHEOCHROMOCYTOMAS; PARAGANGLIOMA, FAMILIAL MALIGNANT; PARAGANGLIOMAS, HEREDITARY EXTRAADRENAL; PHEOCHROMOCYTOMA, FAMILIAL EXTRAADRENAL; Paragangliomas 4; SDHB-Related Hereditary Paraganglioma-Pheochromocytoma Syndrome (Paragangliomas 4). Identifiers: Orphanet 29072, MedGen C1861848, MONDO:0007273, OMIM 115310.

Submission:

Labcorp Genetics (formerly Invitae), Labcorp
Classification: Pathogenic for Gastrointestinal stromal tumor; Pheochromocytoma/paraganglioma syndrome 4; Pheochromocytoma. Last evaluated: 2025-08-04. Review status: criteria provided, single submitter. Criteria: Invitae Variant Classification Sherloc (09022015). Collection method: clinical testing. Allele origin: germline.
Comment: This sequence change creates a premature translational stop signal (p.Leu87*) in the SDHB gene. It is expected to result in an absent or disrupted protein product. Loss-of-function variants in SDHB are known to be pathogenic (PMID: 19454582, 19802898). This variant is not present in population databases (gnomAD no frequency). This variant has not been reported in the literature in individuals affected with SDHB-related conditions. For these reasons, this variant has been classified as Pathogenic.

Literature cited by the submitters: PubMed 19454582; PubMed 19802898.